The following is an entry in ClinVar:

ClinVar aggregate classification (germline): Uncertain significance. Review status: criteria provided, multiple submitters, no conflicts (2 of 4 stars). 2 submissions from 2 submitters: Uncertain significance (2). Last evaluated 2025-03-07.

Conditions:
Hypertrophic cardiomyopathy. Also called: HYPERTROPHIC MYOCARDIOPATHY. Identifiers: Orphanet 217569, MedGen C0007194, MeSH D002312, MONDO:0005045, HP:0001639.

gnomAD v4.1: 1 of 1,613,976 alleles (0.000062%); highest among the groups gnomAD compares: Admixed American, 0.0017%; no homozygotes.

Submissions (2):

Ambry Genetics
Classification: Uncertain significance. Last evaluated: 2025-03-07. Review status: criteria provided, single submitter. Criteria: Ambry Variant Classification Scheme 2023. Collection method: clinical testing. Allele origin: germline.

Labcorp Genetics (formerly Invitae), Labcorp
Classification: Uncertain significance for Hypertrophic cardiomyopathy. Last evaluated: 2025-02-09. Review status: criteria provided, single submitter. Criteria: Invitae Variant Classification Sherloc (09022015). Collection method: clinical testing. Allele origin: germline.
Comment: This sequence change replaces leucine, which is neutral and non-polar, with arginine, which is basic and polar, at codon 1320 of the MYOM1 protein (p.Leu1320Arg). This variant is present in population databases (no rsID available, gnomAD 0.003%). This variant has not been reported in the literature in individuals affected with MYOM1-related conditions. Invitae Evidence Modeling of protein sequence and biophysical properties (such as structural, functional, and spatial information, amino acid conservation, physicochemical variation, residue mobility, and thermodynamic stability) indicates that this missense variant is not expected to disrupt MYOM1 protein function with a negative predictive value of 80%. In summary, the available evidence is currently insufficient to determine the role of this variant in disease. Therefore, it has been classified as a Variant of Uncertain Significance.

NM_003803.4(MYOM1):c.3959T>G (p.Leu1320Arg)

Gene: MYOM1 (myomesin 1; minus strand). Cytogenetic location: 18p11.31.
Variant type: single nucleotide variant.
Coding change: c.3959T>G on transcript NM_003803.4 (MANE Select); coding-DNA position 3959, T replaced by G.
Protein change: p.Leu1320Arg; replaces leucine 1320 with arginine.
Molecular consequence: missense variant.
Genome position (GRCh38, 1-based): chr18:3,090,708, A>C on the plus strand (T>G on the coding strand, the complement: MYOM1 is on the minus strand). VCF-style: chr18-3090708-A-C. GRCh37 (hg19) VCF-style: chr18-3090706-A-C.
Other names: c.3671T>G, p.Leu1224Arg (NM_019856.2); short protein forms L1224R, L1320R.
Identifiers: ClinVar variation 3877156 (VCV003877156.2).